The following is an entry in ClinVar:

NM_000824.5(GLRB):c.121T>C (p.Ser41Pro)

Gene: GLRB (glycine receptor beta; plus strand). Cytogenetic location: 4q32.1.
Variant type: single nucleotide variant.
Coding change: c.121T>C on transcript NM_000824.5 (MANE Select); coding-DNA position 121, T replaced by C.
Protein change: p.Ser41Pro; replaces serine 41 with proline.
Molecular consequence: missense variant.
Genome position (GRCh38, 1-based): chr4:157,078,145, T>C. VCF-style: chr4-157078145-T-C. GRCh37 (hg19) VCF-style: chr4-157999297-T-C.
Other names: c.121T>C (NM_000824.4); c.121T>C, p.Ser41Pro (NM_001166060.2, NM_001166061.2); short protein forms S41P.
Identifiers: ClinVar variation 1408105 (VCV001408105.5), dbSNP rs139168167, ClinGen allele CA3119650.

ClinVar aggregate classification (germline): Uncertain significance. Review status: criteria provided, multiple submitters, no conflicts (2 of 4 stars). 2 submissions from 2 submitters: Uncertain significance (2). Last evaluated 2024-10-01.

Conditions:
Hyperekplexia 2 (HKPX2). Identifiers: Orphanet 3197, MedGen C3553291, MONDO:0013828, OMIM 614619.
Inborn genetic diseases. Identifiers: MedGen C0950123, MeSH D030342.

Allele frequency attached by ClinVar (database versions not stated): gnomAD exomes 0.00003 and 0.00004; ExAC 0.00007; ESP Exome Variant Server 0.00008; gnomAD 0.00015; TOPMed 0.00020; 1000 Genomes Project 0.00040; 1000 Genomes Project 30x 0.00047.
gnomAD v4.1: 75 of 1,612,192 alleles (0.0047%); highest among the groups gnomAD compares: African/African-American, 0.065%; 1 homozygote.

Submissions (2):

Ambry Genetics
Classification: Uncertain significance for Inborn genetic diseases. Last evaluated: 2024-10-01. Review status: criteria provided, single submitter. Criteria: Ambry Variant Classification Scheme 2023. Collection method: clinical testing. Allele origin: germline.

Labcorp Genetics (formerly Invitae), Labcorp
Classification: Uncertain significance for Hyperekplexia 2. Last evaluated: 2022-09-07. Review status: criteria provided, single submitter. Criteria: Invitae Variant Classification Sherloc (09022015). Collection method: clinical testing. Allele origin: germline.
Comment: This sequence change replaces serine, which is neutral and polar, with proline, which is neutral and non-polar, at codon 41 of the GLRB protein (p.Ser41Pro). This variant is present in population databases (rs139168167, gnomAD 0.03%). This variant has not been reported in the literature in individuals affected with GLRB-related conditions. ClinVar contains an entry for this variant (Variation ID: 1408105). Algorithms developed to predict the effect of missense changes on protein structure and function (SIFT, PolyPhen-2, Align-GVGD) all suggest that this variant is likely to be disruptive. In summary, the available evidence is currently insufficient to determine the role of this variant in disease. Therefore, it has been classified as a Variant of Uncertain Significance.